The following is an entry in ClinVar:

NM_138395.4(MARS2):c.1571T>C (p.Leu524Pro)

Gene: MARS2 (methionyl-tRNA synthetase 2, mitochondrial; plus strand). Cytogenetic location: 2q33.1.
Variant type: single nucleotide variant.
Coding change: c.1571T>C on transcript NM_138395.4 (MANE Select); coding-DNA position 1571, T replaced by C.
Protein change: p.Leu524Pro; replaces leucine 524 with proline.
Molecular consequence: missense variant.
Genome position (GRCh38, 1-based): chr2:197,706,976, T>C. VCF-style: chr2-197706976-T-C. GRCh37 (hg19) VCF-style: chr2-198571700-T-C.
Other names: short protein forms L524P.
Identifiers: ClinVar variation 2746551 (VCV002746551.3), dbSNP rs2468942517, ClinGen allele CA350215141.

ClinVar aggregate classification (germline): Uncertain significance (1 of 4 stars; one submission).

Submission:

Labcorp Genetics (formerly Invitae), Labcorp
Classification: Uncertain significance. Last evaluated: 2023-05-29. Review status: criteria provided, single submitter. Criteria: Invitae Variant Classification Sherloc (09022015). Collection method: clinical testing. Allele origin: germline.
Comment: This variant has not been reported in the literature in individuals affected with MARS2-related conditions. This variant is not present in population databases (gnomAD no frequency). This sequence change replaces leucine, which is neutral and non-polar, with proline, which is neutral and non-polar, at codon 524 of the MARS2 protein (p.Leu524Pro). In summary, the available evidence is currently insufficient to determine the role of this variant in disease. Therefore, it has been classified as a Variant of Uncertain Significance. Advanced modeling of protein sequence and biophysical properties (such as structural, functional, and spatial information, amino acid conservation, physicochemical variation, residue mobility, and thermodynamic stability) performed at Invitae indicates that this missense variant is expected to disrupt MARS2 protein function.